The following is an entry in ClinVar:

ClinVar aggregate classification (germline): Uncertain significance (1 of 4 stars; one submission).

Allele frequency attached by ClinVar (database versions not stated): gnomAD exomes below 0.00001.
gnomAD v4.1: 2 of 1,107,778 alleles (0.00018%); highest among the groups gnomAD compares: Non-Finnish European, 0.00022%; no homozygotes.

Submission:

Labcorp Genetics (formerly Invitae), Labcorp
Classification: Uncertain significance. Last evaluated: 2023-07-07. Review status: criteria provided, single submitter. Criteria: Invitae Variant Classification Sherloc (09022015). Collection method: clinical testing. Allele origin: germline.
Comment: This variant has not been reported in the literature in individuals affected with GRIN2D-related conditions. This variant is not present in population databases (gnomAD no frequency). This sequence change replaces glycine, which is neutral and non-polar, with serine, which is neutral and polar, at codon 1022 of the GRIN2D protein (p.Gly1022Ser). ClinVar contains an entry for this variant (Variation ID: 1493568). In summary, the available evidence is currently insufficient to determine the role of this variant in disease. Therefore, it has been classified as a Variant of Uncertain Significance. Advanced modeling of protein sequence and biophysical properties (such as structural, functional, and spatial information, amino acid conservation, physicochemical variation, residue mobility, and thermodynamic stability) performed at Invitae indicates that this missense variant is not expected to disrupt GRIN2D protein function.

NM_000836.4(GRIN2D):c.3064G>A (p.Gly1022Ser)

Gene: GRIN2D (glutamate ionotropic receptor NMDA type subunit 2D; plus strand). Cytogenetic location: 19q13.33.
Variant type: single nucleotide variant.
Coding change: c.3064G>A on transcript NM_000836.4 (MANE Select); coding-DNA position 3064, G replaced by A.
Protein change: p.Gly1022Ser; replaces glycine 1022 with serine.
Molecular consequence: missense variant.
Genome position (GRCh38, 1-based): chr19:48,442,990, G>A. VCF-style: chr19-48442990-G-A. GRCh37 (hg19) VCF-style: chr19-48946247-G-A.
Other names: short protein forms G1022S.
Identifiers: ClinVar variation 1493568 (VCV001493568.6), dbSNP rs1971320573, ClinGen allele CA406674803.